The following is an entry in ClinVar:

NM_004698.4(PRPF3):c.1923G>A (p.Arg641=)

Gene: PRPF3 (pre-mRNA processing factor 3; plus strand). Cytogenetic location: 1q21.2.
Variant type: single nucleotide variant.
Coding change: c.1923G>A on transcript NM_004698.4 (MANE Select); coding-DNA position 1923, G replaced by A.
Protein change: p.Arg641=; no amino-acid change (arginine 641 retained).
Molecular consequence: synonymous variant. On other transcripts: non-coding transcript variant (4).
Genome position (GRCh38, 1-based): chr1:150,352,850, G>A. VCF-style: chr1-150352850-G-A. GRCh37 (hg19) VCF-style: chr1-150325326-G-A.
Other names: c.1518G>A, p.Arg506= (NM_001350529.1).
Identifiers: ClinVar variation 292506 (VCV000292506.18), dbSNP rs79516325, ClinGen allele CA1075749.

ClinVar aggregate classification (germline): Benign. Review status: criteria provided, multiple submitters, no conflicts (2 of 4 stars). 4 submissions from 4 submitters: Benign (4). Last evaluated 2026-01-26.

Conditions:
Retinitis pigmentosa (RP). Identifiers: Orphanet 791, MedGen C0035334, MeSH D012174, MONDO:0019200, OMIM 268000. Inheritance: Autosomal dominant, autosomal recessive and X linked inheritance.

Allele frequency attached by ClinVar (database versions not stated): gnomAD exomes 0.00192 and 0.00538; ExAC 0.00687; gnomAD 0.02039 and 0.02181; TOPMed 0.02323; 1000 Genomes Project 0.02496; ESP Exome Variant Server 0.02537; 1000 Genomes Project 30x 0.02795.
gnomAD v4.1: 6,036 of 1,614,090 alleles (0.37%); highest among the groups gnomAD compares: African/African-American, 7.2%; 217 homozygotes.

Submissions (4):

Labcorp Genetics (formerly Invitae), Labcorp
Classification: Benign. Last evaluated: 2026-01-26. Review status: criteria provided, single submitter. Criteria: Invitae Variant Classification Sherloc (09022015). Collection method: clinical testing. Allele origin: germline.

GeneDx
Classification: Benign. Last evaluated: 2021-05-04. Review status: criteria provided, single submitter. Criteria: GeneDx Variant Classification Process June 2021. Collection method: clinical testing. Allele origin: germline. Affected: yes.

Illumina Laboratory Services, Illumina
Classification: Benign for Retinitis pigmentosa. Last evaluated: 2018-01-13. Review status: criteria provided, single submitter. Criteria: ICSL Variant Classification Criteria 13 December 2019. Collection method: clinical testing. Allele origin: germline.
Comment: This variant was observed in the ICSL laboratory as part of a predisposition screen in an ostensibly healthy population. It had not been previously curated by ICSL or reported in the Human Gene Mutation Database (HGMD: prior to June 1st, 2018), and was therefore a candidate for classification through an automated scoring system. Utilizing variant allele frequency, disease prevalence and penetrance estimates, and inheritance mode, an automated score was calculated to assess if this variant is too frequent to cause the disease. Based on the score and internal cut-off values, a variant classified as benign is not then subjected to further curation. The score for this variant resulted in a classification of benign for this disease.

Breakthrough Genomics
Classification: Benign. Review status: criteria provided, single submitter. Criteria: ACMG Guidelines, 2015. Collection method: not provided. Allele origin: germline. Inheritance: Autosomal dominant inheritance. Affected: yes.